The following is an entry in ClinVar:

NM_000057.4(BLM):c.1133A>G (p.His378Arg)

Gene: BLM (BLM RecQ like helicase; plus strand). Cytogenetic location: 15q26.1.
Variant type: single nucleotide variant.
Coding change: c.1133A>G on transcript NM_000057.4 (MANE Select); coding-DNA position 1133, A replaced by G.
Protein change: p.His378Arg; replaces histidine 378 with arginine.
Molecular consequence: missense variant.
Genome position (GRCh38, 1-based): chr15:90,760,192, A>G. VCF-style: chr15-90760192-A-G. GRCh37 (hg19) VCF-style: chr15-91303422-A-G.
Other names: c.1133A>G, p.His378Arg (NM_001287246.2, NM_001287247.2); c.8A>G, p.His3Arg (NM_001287248.2); short protein forms H378R, H3R.
Identifiers: ClinVar variation 3223799 (VCV003223799.1), dbSNP rs1895933230, ClinGen allele CA393842381.

ClinVar aggregate classification (germline): Uncertain significance (1 of 4 stars; one submission).

Conditions:
Hereditary cancer-predisposing syndrome. Also called: Tumor predisposition; Hereditary neoplastic syndrome; Hereditary Cancer Syndrome; Neoplastic Syndromes, Hereditary. Identifiers: Orphanet 140162, MedGen C0027672, MeSH D009386, MONDO:0015356.

Allele frequency attached by ClinVar (database versions not stated): gnomAD exomes below 0.00001; TOPMed below 0.00001.
gnomAD v4.1: 2 of 1,612,800 alleles (0.00012%); highest among the groups gnomAD compares: Non-Finnish European, 0.00017%; no homozygotes.

Submission:

Ambry Genetics
Classification: Uncertain significance for Hereditary cancer-predisposing syndrome. Last evaluated: 2023-11-16. Review status: criteria provided, single submitter. Criteria: Ambry Variant Classification Scheme 2023. Collection method: clinical testing. Allele origin: germline.
Comment: The p.H378R variant (also known as c.1133A>G), located in coding exon 5 of the BLM gene, results from an A to G substitution at nucleotide position 1133. The histidine at codon 378 is replaced by arginine, an amino acid with highly similar properties. This amino acid position is conserved. In addition, this alteration is predicted to be tolerated by in silico analysis. Since supporting evidence is limited at this time, the clinical significance of this alteration remains unclear.